The following is an entry in ClinVar:

NM_002637.4(PHKA1):c.2608C>T (p.Pro870Ser)

Gene: PHKA1 (phosphorylase kinase regulatory subunit alpha 1; minus strand). Cytogenetic location: Xq13.1.
Variant type: single nucleotide variant.
Coding change: c.2608C>T on transcript NM_002637.4 (MANE Select); coding-DNA position 2608, C replaced by T.
Protein change: p.Pro870Ser; replaces proline 870 with serine.
Molecular consequence: missense variant.
Genome position (GRCh38, 1-based): chrX:72,605,618, G>A on the plus strand (C>T on the coding strand, the complement: PHKA1 is on the minus strand). VCF-style: chrX-72605618-G-A. GRCh37 (hg19) VCF-style: chrX-71825468-G-A.
Other names: c.2608C>T, p.Pro870Ser (NM_001122670.2); c.2431C>T, p.Pro811Ser (NM_001172436.2); short protein forms P811S, P870S.
Identifiers: ClinVar variation 2879226 (VCV002879226.3), dbSNP rs2522422121, ClinGen allele CA413589507.

ClinVar aggregate classification (germline): Uncertain significance (1 of 4 stars; one submission).

Conditions:
Glycogen storage disease IXd (GSD9D). Also called: Muscle Phosphorylase Kinase Deficiency; GSD IXd. Identifiers: Orphanet 715, MedGen C1845151, MONDO:0010362, OMIM 300559.

gnomAD v4.1: 1 of 1,189,700 alleles (0.000084%); highest among the groups gnomAD compares: Non-Finnish European, 0.00011%; no homozygotes.

Submission:

Labcorp Genetics (formerly Invitae), Labcorp
Classification: Uncertain significance for Glycogen storage disease IXd. Last evaluated: 2023-02-14. Review status: criteria provided, single submitter. Criteria: Invitae Variant Classification Sherloc (09022015). Collection method: clinical testing. Allele origin: germline.
Comment: This variant has not been reported in the literature in individuals affected with PHKA1-related conditions. Algorithms developed to predict the effect of missense changes on protein structure and function are either unavailable or do not agree on the potential impact of this missense change (SIFT: "Deleterious"; PolyPhen-2: "Probably Damaging"; Align-GVGD: "Class C0"). In summary, the available evidence is currently insufficient to determine the role of this variant in disease. Therefore, it has been classified as a Variant of Uncertain Significance. This variant is not present in population databases (gnomAD no frequency). This sequence change replaces proline, which is neutral and non-polar, with serine, which is neutral and polar, at codon 870 of the PHKA1 protein (p.Pro870Ser).